The following is an entry in ClinVar:

ClinVar aggregate classification (germline): Uncertain significance (1 of 4 stars; one submission).

Allele frequency attached by ClinVar (database versions not stated): TOPMed 0.00001; gnomAD 0.00003; 1000 Genomes Project 0.00060; 1000 Genomes Project 30x 0.00109; gnomAD exomes 0.00006; ExAC 0.00017.
gnomAD v4.1: 102 of 1,614,222 alleles (0.0063%); highest among the groups gnomAD compares: South Asian, 0.056%; 1 homozygote.

Submission:

Labcorp Genetics (formerly Invitae), Labcorp
Classification: Uncertain significance. Last evaluated: 2024-04-08. Review status: criteria provided, single submitter. Criteria: Invitae Variant Classification Sherloc (09022015). Collection method: clinical testing. Allele origin: germline.
Comment: This sequence change replaces serine, which is neutral and polar, with leucine, which is neutral and non-polar, at codon 223 of the UTP4 protein (p.Ser223Leu). This variant is present in population databases (rs562684499, gnomAD 0.07%), and has an allele count higher than expected for a pathogenic variant. This variant has not been reported in the literature in individuals affected with UTP4-related conditions. ClinVar contains an entry for this variant (Variation ID: 2166379). Advanced modeling of protein sequence and biophysical properties (such as structural, functional, and spatial information, amino acid conservation, physicochemical variation, residue mobility, and thermodynamic stability) performed at Invitae indicates that this missense variant is not expected to disrupt UTP4 protein function with a negative predictive value of 80%. In summary, the available evidence is currently insufficient to determine the role of this variant in disease. Therefore, it has been classified as a Variant of Uncertain Significance.

NM_032830.3(UTP4):c.668C>T (p.Ser223Leu)

Gene: UTP4 (UTP4 small subunit processome component). Cytogenetic location: 16q22.1.
Variant type: single nucleotide variant.
Coding change: c.668C>T on transcript NM_032830.3 (MANE Select); coding-DNA position 668, C replaced by T.
Protein change: p.Ser223Leu; replaces serine 223 with leucine.
Molecular consequence: missense variant.
Genome position (GRCh38, 1-based): chr16:69,143,319, C>T. VCF-style: chr16-69143319-C-T. GRCh37 (hg19) VCF-style: chr16-69177222-C-T.
Other names: c.419C>T, p.Ser140Leu (NM_001318391.2); short protein forms S140L, S223L.
Identifiers: ClinVar variation 2166379 (VCV002166379.4), dbSNP rs562684499, ClinGen allele CA8132130.